The following is an entry in ClinVar:

ClinVar aggregate classification (germline): Uncertain significance (1 of 4 stars; one submission).

Conditions:
Familial thoracic aortic aneurysm and aortic dissection (TAAD). Also called: Thoracic aortic aneurysms and dissections. Identifiers: Orphanet 91387, MedGen C4707243, MONDO:0019625.

Submission:

Color Diagnostics, LLC DBA Color Health
Classification: Uncertain significance for Familial thoracic aortic aneurysm and aortic dissection. Last evaluated: 2025-08-24. Review status: criteria provided, single submitter. Criteria: ACMG Guidelines, 2015. Collection method: clinical testing. Allele origin: germline.
Comment: This missense variant replaces isoleucine with valine at codon 334 of the SMAD3 protein. Computational prediction is inconclusive regarding the impact of this variant on protein structure and function. To our knowledge, functional studies have not been reported for this variant. This variant has not been reported in individuals affected with SMAD3-related disorders in the literature. This variant has not been identified in the general population by the Genome Aggregation Database (gnomAD). The available evidence is insufficient to determine the role of this variant in disease conclusively. Therefore, this variant is classified as a Variant of Uncertain Significance.

NM_005902.4(SMAD3):c.1000A>G (p.Ile334Val)

Gene: SMAD3 (SMAD family member 3; plus strand). Cytogenetic location: 15q22.33.
Variant type: single nucleotide variant.
Coding change: c.1000A>G on transcript NM_005902.4 (MANE Select); coding-DNA position 1000, A replaced by G.
Protein change: p.Ile334Val; replaces isoleucine 334 with valine.
Molecular consequence: missense variant. On other transcripts: intron variant (1).
Genome position (GRCh38, 1-based): chr15:67,184,855, A>G. VCF-style: chr15-67184855-A-G. GRCh37 (hg19) VCF-style: chr15-67477193-A-G.
Other names: c.685A>G, p.Ile229Val (NM_001145102.2, NM_001407016.1); c.868A>G, p.Ile290Val (NM_001145103.2, NM_001407012.1); c.415A>G, p.Ile139Val (NM_001145104.2, NM_001407017.1); c.1000A>G, p.Ile334Val (NM_001407011.1); c.853A>G, p.Ile285Val (NM_001407014.1); c.553A>G, p.Ile185Val (NM_001407015.1); c.872-2510A>G (NM_001407013.1); short protein forms I139V, I185V, I229V, I285V, I290V, I334V.
Identifiers: ClinVar variation 4758428 (VCV004758428.1).